The following is an entry in ClinVar:

ClinVar aggregate classification (germline): Benign/Likely benign. Review status: criteria provided, multiple submitters, no conflicts (2 of 4 stars). 5 submissions from 5 submitters: Benign (4); Likely benign (1). Last evaluated 2026-05-10.

Conditions:
FOXN1-related disorder. Also called: FOXN1-related condition.
T-cell immunodeficiency, congenital alopecia, and nail dystrophy. Also called: Congenital alopecia and nail dystrophy associated with severe functional T-cell immunodeficiency; Pignata Guarino syndrome. Identifiers: Orphanet 169095, MedGen C1866426, MONDO:0011132, OMIM 601705.

Allele frequency attached by ClinVar (database versions not stated): gnomAD exomes 0.00106; ExAC 0.00131; 1000 Genomes Project 30x 0.00234; 1000 Genomes Project 0.00280; gnomAD 0.00364 and 0.00399; TOPMed 0.00399; ESP Exome Variant Server 0.00446.
gnomAD v4.1: 1,150 of 1,613,770 alleles (0.071%); highest among the groups gnomAD compares: African/African-American, 1.3%; 7 homozygotes.

Submissions (5):

PreventionGenetics, part of Exact Sciences
Classification: Benign for FOXN1-related condition. Last evaluated: 2026-05-10. Review status: criteria provided, single submitter. Criteria: ACMG Guidelines, 2015. Collection method: clinical testing. Allele origin: germline.
Comment: This variant is classified as benign based on ACMG/AMP sequence variant interpretation guidelines (Richards et al. 2015 PMID: 25741868, with internal and published modifications).

Labcorp Genetics (formerly Invitae), Labcorp
Classification: Benign for T-cell immunodeficiency, congenital alopecia, and nail dystrophy. Last evaluated: 2026-01-28. Review status: criteria provided, single submitter. Criteria: Invitae Variant Classification Sherloc (09022015). Collection method: clinical testing. Allele origin: germline.

Blueprint Genetics
Classification: Likely benign. Last evaluated: 2024-11-27. Review status: criteria provided, single submitter. Criteria: ACMG Guidelines, 2015. Collection method: clinical testing. Allele origin: germline.

ARUP Laboratories, Molecular Genetics and Genomics, ARUP Laboratories
Classification: Benign. Last evaluated: 2016-08-17. Review status: criteria provided, single submitter. Criteria: ARUP Molecular Germline Variant Investigation Process. Collection method: clinical testing. Allele origin: germline.

Breakthrough Genomics
Classification: Benign. Review status: criteria provided, single submitter. Criteria: ACMG Guidelines, 2015. Collection method: not provided. Allele origin: germline. Inheritance: Autosomal recessive inheritance. Affected: yes.

NM_001369369.1(FOXN1):c.1710G>A (p.Ser570=)

Gene: FOXN1 (forkhead box N1; plus strand). Cytogenetic location: 17q11.2.
Variant type: single nucleotide variant.
Coding change: c.1710G>A on transcript NM_001369369.1 (MANE Select); coding-DNA position 1710, G replaced by A.
Protein change: p.Ser570=; no amino-acid change (serine 570 retained).
Molecular consequence: synonymous variant.
Genome position (GRCh38, 1-based): chr17:28,537,199, G>A. VCF-style: chr17-28537199-G-A. GRCh37 (hg19) VCF-style: chr17-26864217-G-A.
Other names: c.1710G>A, p.Ser570= (NM_003593.3).
Identifiers: ClinVar variation 439741 (VCV000439741.21), dbSNP rs143371127, ClinGen allele CA8459608.
Genomic context (GRCh38, chr17:28,537,199, plus strand): 5'-GGATGATAGCTTGGCCCTCGACCCCCTGGTACTGGTGACCTCATCCCCGACATCATCTTC[G>A]ATGCCACCACCCCAGCCACCACCTCACTGCTTCCCCCCTGGGCCCTGTCTGACAGAGACA-3'
Protein context (NP_001356298.1, residues 560-580): VLVTSSPTSS[Ser570=]MPPPQPPPHC